The following is an entry in ClinVar:

NM_004667.6(HERC2):c.10768C>G (p.Leu3590Val)

Gene: HERC2 (HECT and RLD domain containing E3 ubiquitin protein ligase 2; minus strand). Cytogenetic location: 15q13.1.
Variant type: single nucleotide variant.
Coding change: c.10768C>G on transcript NM_004667.6 (MANE Select); coding-DNA position 10768, C replaced by G.
Protein change: p.Leu3590Val; replaces leucine 3590 with valine.
Molecular consequence: missense variant.
Genome position (GRCh38, 1-based): chr15:28,152,809, G>C on the plus strand (C>G on the coding strand, the complement: HERC2 is on the minus strand). VCF-style: chr15-28152809-G-C. GRCh37 (hg19) VCF-style: chr15-28397955-G-C.
Other names: c.10768C>G (NM_004667.5); short protein forms L3590V.
Identifiers: ClinVar variation 2264062 (VCV002264062.3), dbSNP rs1308206658, ClinGen allele CA391388332.

ClinVar aggregate classification (germline): Uncertain significance. Review status: criteria provided, multiple submitters, no conflicts (2 of 4 stars). 2 submissions from 2 submitters: Uncertain significance (2). Last evaluated 2023-06-07.

Conditions:
Inborn genetic diseases. Identifiers: MedGen C0950123, MeSH D030342.

Allele frequency attached by ClinVar (database versions not stated): gnomAD 0.00001; TOPMed 0.00001.
gnomAD v4.1: 1 of 1,560,504 alleles (0.000064%); highest among the groups gnomAD compares: Admixed American, 0.0019%; no homozygotes.

Submissions (2):

GeneDx
Classification: Uncertain significance. Last evaluated: 2023-06-07. Review status: criteria provided, single submitter. Criteria: GeneDx Variant Classification Process June 2021. Collection method: clinical testing. Allele origin: germline. Affected: yes.
Comment: Not observed at significant frequency in large population cohorts (gnomAD); In silico analysis supports that this missense variant does not alter protein structure/function; Has not been previously published as pathogenic or benign to our knowledge

Ambry Genetics
Classification: Uncertain significance for Inborn genetic diseases. Last evaluated: 2021-12-03. Review status: criteria provided, single submitter. Criteria: Ambry Variant Classification Scheme 2023. Collection method: clinical testing. Allele origin: germline.